The following is an entry in ClinVar:

NM_198428.3(BBS9):c.138G>A (p.Met46Ile)

Gene: BBS9 (Bardet-Biedl syndrome 9; plus strand). Cytogenetic location: 7p14.3.
Variant type: single nucleotide variant.
Coding change: c.138G>A on transcript NM_198428.3 (MANE Select); coding-DNA position 138, G replaced by A.
Protein change: p.Met46Ile; replaces methionine 46 with isoleucine.
Molecular consequence: missense variant. On other transcripts: 5 prime UTR variant (4), initiator codon variant (1), non-coding transcript variant (3), intron variant (2).
Genome position (GRCh38, 1-based): chr7:33,152,726, G>A. VCF-style: chr7-33152726-G-A. GRCh37 (hg19) VCF-style: chr7-33192338-G-A.
Other names: c.138G>A, p.Met46Ile (NM_001033604.2, NM_001033605.2, NM_001348036.1 and 5 more transcripts); c.-164G>A (NM_001348037.3, NM_001348045.3); c.-140G>A (NM_001348038.3, NM_001348039.3); c.3G>A, p.Met1Ile (NM_001348042.3); c.-39+22685G>A (NM_001348046.3, NM_001348044.3); c.3G>A (NM_001348042.2); short protein forms M1I, M46I.
Identifiers: ClinVar variation 640590 (VCV000640590.14), dbSNP rs145241295, ClinGen allele CA4213886.

ClinVar aggregate classification (germline): Uncertain significance. Review status: criteria provided, multiple submitters, no conflicts (2 of 4 stars). 5 submissions from 5 submitters: Uncertain significance (5). Last evaluated 2026-09-10.

Conditions:
BBS9-related disorder. Also called: BBS9-related condition.
Bardet-Biedl syndrome (BBS). Identifiers: Orphanet 110, MedGen C0752166, MONDO:0015229.
Bardet-Biedl syndrome 9 (BBS9). Identifiers: Orphanet 110, MedGen C1859567, MONDO:0014437, OMIM 615986.
Inborn genetic diseases. Identifiers: MedGen C0950123, MeSH D030342.

Allele frequency attached by ClinVar (database versions not stated): gnomAD exomes 0.00001 and 0.00003; ExAC 0.00004; TOPMed 0.00005; gnomAD 0.00006 and 0.00007; ESP Exome Variant Server 0.00015; 1000 Genomes Project 0.00020; 1000 Genomes Project 30x 0.00031.
gnomAD v4.1: 20 of 1,612,464 alleles (0.0012%); highest among the groups gnomAD compares: African/African-American, 0.025%; no homozygotes.

Submissions (5):

PreventionGenetics, part of Exact Sciences
Classification: Uncertain significance for BBS9-related condition. Last evaluated: 2026-09-10. Review status: criteria provided, single submitter. Criteria: ACMG Guidelines, 2015. Collection method: clinical testing. Allele origin: germline.
Comment: The BBS9 c.3G>A variant is predicted to disrupt the translation initiation site (Start loss). To our knowledge, this variant has not been reported in the literature, but has been reported in ClinVar as a variant of uncertain significance (Variation ID: 640590). This variant is reported in 0.040% of alleles in individuals of African descent in gnomAD. At this time, the clinical significance of this variant is uncertain due to the absence of conclusive functional and genetic evidence.

Ambry Genetics
Classification: Uncertain significance for Inborn genetic diseases. Last evaluated: 2025-05-05. Review status: criteria provided, single submitter. Criteria: Ambry Variant Classification Scheme 2023. Collection method: clinical testing. Allele origin: germline.

Labcorp Genetics (formerly Invitae), Labcorp
Classification: Uncertain significance for Bardet-Biedl syndrome. Last evaluated: 2024-10-29. Review status: criteria provided, single submitter. Criteria: Invitae Variant Classification Sherloc (09022015). Collection method: clinical testing. Allele origin: germline.
Comment: This sequence change replaces methionine, which is neutral and non-polar, with isoleucine, which is neutral and non-polar, at codon 46 of the BBS9 protein (p.Met46Ile). This variant is present in population databases (rs145241295, gnomAD 0.04%). This variant has not been reported in the literature in individuals affected with BBS9-related conditions. ClinVar contains an entry for this variant (Variation ID: 640590). Invitae Evidence Modeling of protein sequence and biophysical properties (such as structural, functional, and spatial information, amino acid conservation, physicochemical variation, residue mobility, and thermodynamic stability) indicates that this missense variant is not expected to disrupt BBS9 protein function with a negative predictive value of 80%. In summary, the available evidence is currently insufficient to determine the role of this variant in disease. Therefore, it has been classified as a Variant of Uncertain Significance.

Fulgent Genetics
Classification: Uncertain significance for Bardet-Biedl syndrome 9. Last evaluated: 2024-05-29. Review status: criteria provided, single submitter. Criteria: ACMG Guidelines, 2015. Collection method: clinical testing. Allele origin: germline.

Blueprint Genetics
Classification: Uncertain significance. Last evaluated: 2022-06-20. Review status: criteria provided, single submitter. Criteria: ACMG Guidelines, 2015. Collection method: clinical testing. Allele origin: germline.